The following is an entry in ClinVar:

NM_001374736.1(DST):c.14640+5G>A

Gene: DST (dystonin; minus strand). Cytogenetic location: 6p12.1.
Variant type: single nucleotide variant.
Coding change: c.14640+5G>A on transcript NM_001374736.1 (MANE Select); 5 bases into the intron after coding-DNA position 14640, G replaced by A.
Molecular consequence: intron variant.
Genome position (GRCh38, 1-based): chr6:56,557,314, C>T on the plus strand (G>A on the coding strand, the complement: DST is on the minus strand). VCF-style: chr6-56557314-C-T. GRCh37 (hg19) VCF-style: chr6-56422112-C-T.
Other names: c.8283+5G>A (NM_001144769.5); c.14640+5G>A (NM_001374722.1); c.14667+5G>A (NM_001374734.1); c.7869+5G>A (NM_001144770.2); c.7749+5G>A (NM_001374730.1, NM_183380.4); c.14007+5G>A (NM_001374729.1); c.6771+5G>A (NM_015548.5).
Identifiers: ClinVar variation 968383 (VCV000968383.8), dbSNP rs2097441805, ClinGen allele CA1139659631.
Genomic context (GRCh38, chr6:56,557,314, plus strand): 5'-GAAAACATTGGTCTCAGTAAGTCAAATTGCTATGCACGAGAGACAGGTTATTAGGTAATA[C>T]TCACCTGCACCTGCTGCCTTTGTGTGTTTAGCATATTTGGGTCAATTGACAAGGGCCCAA-3'

ClinVar aggregate classification (germline): Uncertain significance (1 of 4 stars; one submission).

Conditions:
Hereditary sensory and autonomic neuropathy type 6. Also called: Neuropathy, hereditary sensory and autonomic, type VI; HSAN VI. Identifiers: Orphanet 314381, MedGen C3539003, MONDO:0013839, OMIM 614653.
Epidermolysis bullosa simplex 3, localized or generalized intermediate, with BP230 deficiency (EBS3). Also called: Epidermolysis bullosa simplex, autosomal recessive 2; Epidermolysis bullosa simplex due to BP230 deficiency. Identifiers: Orphanet 412181, MedGen C3809470, MONDO:0014180, OMIM 615425.

Submission:

Labcorp Genetics (formerly Invitae), Labcorp
Classification: Uncertain significance for Epidermolysis bullosa simplex 3, localized or generalized intermediate, with BP230 deficiency; Hereditary sensory and autonomic neuropathy type 6. Last evaluated: 2019-05-09. Review status: criteria provided, single submitter. Criteria: Invitae Variant Classification Sherloc (09022015). Collection method: clinical testing. Allele origin: germline.
Comment: In summary, the available evidence is currently insufficient to determine the role of this variant in disease. Therefore, it has been classified as a Variant of Uncertain Significance. Nucleotide substitutions within the consensus splice site are a relatively common cause of aberrant splicing (PMID: 17576681, 9536098). Algorithms developed to predict the effect of sequence changes on RNA splicing suggest that this variant may disrupt the consensus splice site, but this prediction has not been confirmed by published transcriptional studies. This variant has not been reported in the literature in individuals with DST-related conditions. This variant is not present in population databases (ExAC no frequency). This sequence change falls in intron 40 of the DST gene. It does not directly change the encoded amino acid sequence of the DST protein, but it affects a nucleotide within the consensus splice site of the intron. The DST gene has multiple clinically relevant transcripts. The c.6771+5G>A variant occurs in alternate transcript NM_015548.4, which corresponds to c.*58203G>A in NM_001723.5, the primary transcript listed in the Methods.

Literature cited by the submitters: PubMed 17576681; PubMed 9536098.